The following is an entry in ClinVar:

ClinVar aggregate classification (germline): Uncertain significance (1 of 4 stars; one submission).

Allele frequency attached by ClinVar (database versions not stated): 1000 Genomes Project 0.00060; ExAC 0.00005; gnomAD 0.00007; gnomAD exomes 0.00001; TOPMed 0.00008; 1000 Genomes Project 30x 0.00047.
gnomAD v4.1: 21 of 1,612,584 alleles (0.0013%); highest among the groups gnomAD compares: African/African-American, 0.015%; no homozygotes.

Submission:

Labcorp Genetics (formerly Invitae), Labcorp
Classification: Uncertain significance. Last evaluated: 2025-09-02. Review status: criteria provided, single submitter. Criteria: Invitae Variant Classification Sherloc (09022015). Collection method: clinical testing. Allele origin: germline.
Comment: This sequence change replaces alanine, which is neutral and non-polar, with threonine, which is neutral and polar, at codon 204 of the SUCLG2 protein (p.Ala204Thr). This variant is present in population databases (rs558481326, gnomAD 0.03%). This variant has not been reported in the literature in individuals affected with SUCLG2-related conditions. ClinVar contains an entry for this variant (Variation ID: 2918670). An algorithm developed to predict the effect of missense changes on protein structure and function (PolyPhen-2) suggests that this variant is likely to be tolerated. In summary, the available evidence is currently insufficient to determine the role of this variant in disease. Therefore, it has been classified as a Variant of Uncertain Significance.

NM_003848.4(SUCLG2):c.610G>A (p.Ala204Thr)

Gene: SUCLG2 (succinate-CoA ligase GDP-forming subunit beta; minus strand). Cytogenetic location: 3p14.1.
Variant type: single nucleotide variant.
Coding change: c.610G>A on transcript NM_003848.4 (MANE Select); coding-DNA position 610, G replaced by A.
Protein change: p.Ala204Thr; replaces alanine 204 with threonine.
Molecular consequence: missense variant.
Genome position (GRCh38, 1-based): chr3:67,518,297, C>T on the plus strand (G>A on the coding strand, the complement: SUCLG2 is on the minus strand). VCF-style: chr3-67518297-C-T. GRCh37 (hg19) VCF-style: chr3-67568721-C-T.
Other names: c.610G>A, p.Ala204Thr (NM_001177599.2); short protein forms A204T.
Identifiers: ClinVar variation 2918670 (VCV002918670.3), dbSNP rs558481326, ClinGen allele CA2485961.